The following is an entry in ClinVar:

ClinVar aggregate classification (germline): Uncertain significance. Review status: criteria provided, multiple submitters, no conflicts (2 of 4 stars). 2 submissions from 2 submitters: Uncertain significance (2). Last evaluated 2023-11-07.

Conditions:
Inborn genetic diseases. Identifiers: MedGen C0950123, MeSH D030342.
Malignant hyperthermia, susceptibility to, 5 (MHS5). Also called: CACNA1S-Related Malignant Hyperthermia Susceptibility. Identifiers: Orphanet 423, MedGen C1866077, MONDO:0011163, OMIM 601887.

Allele frequency attached by ClinVar (database versions not stated): gnomAD exomes 0.00001.
gnomAD v4.1: 16 of 1,614,202 alleles (0.00099%); highest among the groups gnomAD compares: Non-Finnish European, 0.0013%; no homozygotes.

Submissions (2):

Color Diagnostics, LLC DBA Color Health
Classification: Uncertain significance for Malignant hyperthermia, susceptibility to, 5. Last evaluated: 2023-11-07. Review status: criteria provided, single submitter. Criteria: ACMG Guidelines, 2015. Collection method: clinical testing. Allele origin: germline.
Comment: This missense variant replaces asparagine with serine at codon 1355 of the CACNA1S protein. Computational prediction suggests that this variant may not impact protein structure and function. To our knowledge, functional studies have not been reported for this variant. This variant has not been reported in individuals affected with CACNA1S-related disorders in the literature. This variant has not been identified in the general population by the Genome Aggregation Database (gnomAD). The available evidence is insufficient to determine the role of this variant in disease conclusively. Therefore, this variant is classified as a Variant of Uncertain Significance.

Ambry Genetics
Classification: Uncertain significance for Inborn genetic diseases. Last evaluated: 2023-05-09. Review status: criteria provided, single submitter. Criteria: Ambry Variant Classification Scheme 2023. Collection method: clinical testing. Allele origin: germline.

NM_000069.3(CACNA1S):c.4064A>G (p.Asn1355Ser)

Gene: CACNA1S (calcium voltage-gated channel subunit alpha1 S; minus strand). Cytogenetic location: 1q32.1.
Variant type: single nucleotide variant.
Coding change: c.4064A>G on transcript NM_000069.3 (MANE Select); coding-DNA position 4064, A replaced by G.
Protein change: p.Asn1355Ser; replaces asparagine 1355 with serine.
Molecular consequence: missense variant.
Genome position (GRCh38, 1-based): chr1:201,051,033, T>C on the plus strand (A>G on the coding strand, the complement: CACNA1S is on the minus strand). VCF-style: chr1-201051033-T-C. GRCh37 (hg19) VCF-style: chr1-201020161-T-C.
Other names: short protein forms N1355S.
Identifiers: ClinVar variation 2545704 (VCV002545704.3), dbSNP rs2464447001, ClinGen allele CA344149943.
Genomic context (GRCh38, chr1:201,051,033, plus strand): 5'-CAGCATCTCACCAGGAAGGCACAGAGCATGTAGAAGCTGATGAAGTAGTAGTATGCAAAG[T>C]TGGTGCCACATGTGTACTCCTCCCCTGGGGCATAGTCCGACTCTGGGTCACACAGCTTCC-3'
Protein context (NP_000060.2, residues 1345-1365): APGEEYTCGT[Asn1355Ser]FAYYYFISFY